The following is an entry in ClinVar:

ClinVar aggregate classification (germline): Uncertain significance. Review status: criteria provided, multiple submitters, no conflicts (2 of 4 stars). 2 submissions from 2 submitters: Uncertain significance (2). Last evaluated 2026-02-23.

Conditions:
Hereditary cancer-predisposing syndrome. Also called: Tumor predisposition; Hereditary Cancer Syndrome; Hereditary neoplastic syndrome; Neoplastic Syndromes, Hereditary. Identifiers: Orphanet 140162, MedGen C0027672, MeSH D009386, MONDO:0015356.

Submissions (2):

Ambry Genetics
Classification: Uncertain significance for Hereditary cancer-predisposing syndrome. Last evaluated: 2026-02-23. Review status: criteria provided, single submitter. Criteria: Ambry Variant Classification Scheme 2023. Collection method: clinical testing. Allele origin: germline.
Comment: The p.D1403A variant (also known as c.4208A>C), located in coding exon 33 of the TSC2 gene, results from an A to C substitution at nucleotide position 4208. The aspartic acid at codon 1403 is replaced by alanine, an amino acid with dissimilar properties. This amino acid position is not well conserved in available vertebrate species. In addition, the in silico prediction for this alteration is inconclusive. Based on the available evidence, the clinical significance of this variant remains unclear.

Sema4
Classification: Uncertain significance for Hereditary cancer-predisposing syndrome. Last evaluated: 2021-09-16. Review status: criteria provided, single submitter. Criteria: Sema4 Curation Guidelines. Collection method: curation. Allele origin: germline.
Comment: The TSC2 c.4208A>C (p.D1403A) variant has not been reported in literature to our knowledge. This variant was not observed in the large and broad cohorts of the Genome Aggregation Database (PMID: 32461654), nor in ClinVar. Functional studies have not been performed, and in silico predictions of the variant's effect on protein function are inconclusive. The overall evidence is insufficient to meet ACMG/AMP criteria for classifying it as benign or pathogenic. In summary, the clinical significance of this variant is currently uncertain.

NM_000548.5(TSC2):c.4208A>C (p.Asp1403Ala)

Gene: TSC2 (TSC complex subunit 2; plus strand). Cytogenetic location: 16p13.3.
Variant type: single nucleotide variant.
Coding change: c.4208A>C on transcript NM_000548.5 (MANE Select); coding-DNA position 4208, A replaced by C.
Protein change: p.Asp1403Ala; replaces aspartic acid 1403 with alanine.
Molecular consequence: missense variant.
Genome position (GRCh38, 1-based): chr16:2,084,430, A>C. VCF-style: chr16-2084430-A-C. GRCh37 (hg19) VCF-style: chr16-2134431-A-C.
Other names: c.4007A>C, p.Asp1336Ala (NM_001077183.3); c.4139A>C, p.Asp1380Ala (NM_001114382.3); c.3899A>C, p.Asp1300Ala (NM_001318827.2); c.3863A>C, p.Asp1288Ala (NM_001318829.2); c.3476A>C, p.Asp1159Ala (NM_001318831.2); c.4040A>C, p.Asp1347Ala (NM_001318832.2); c.4010A>C, p.Asp1337Ala (NM_001363528.2); c.4076A>C, p.Asp1359Ala (NM_001370404.1); and 1 more; short protein forms D1159A, D1288A, D1300A, D1336A, D1337A, D1347A, D1359A, D1360A.
Identifiers: ClinVar variation 1692501 (VCV001692501.2), dbSNP rs1359988294, ClinGen allele CA394299929.